The following is an entry in ClinVar:

ClinVar aggregate classification (germline): Uncertain significance (1 of 4 stars; one submission).

Allele frequency attached by ClinVar (database versions not stated): gnomAD exomes 0.00001 and 0.00002; gnomAD 0.00005; TOPMed 0.00002.
gnomAD v4.1: 37 of 1,611,798 alleles (0.0023%); highest among the groups gnomAD compares: Non-Finnish European, 0.0031%; no homozygotes.

Submission:

Labcorp Genetics (formerly Invitae), Labcorp
Classification: Uncertain significance. Last evaluated: 2016-02-04. Review status: criteria provided, single submitter. Criteria: Invitae Variant Classification Sherloc (09022015). Collection method: clinical testing. Allele origin: germline.
Comment: This variant is not present in population databases (ExAC no frequency) and has not been reported in the literature in individuals with a EPCAM-related disease. This sequence change replaces histidine with glutamine at codon 150 of the EPCAM protein (p.His150Gln). The histidine residue is highly conserved and there is a small physicochemical difference between histidine and glutamine. In summary, this is a rare missense change with uncertain impact on protein function. There is no indication that this variant causes disease, but the evidence is insufficient at this time to prove that conclusively. Therefore, it has been classified as a Variant of Uncertain Significance. Algorithms developed to predict the effect of missense changes on protein structure and function do not agree on the potential impact of this missense change (SIFT: "Deleterious"; PolyPhen-2: "Possibly Damaging"; Align-GVGD: "Class C0").

NM_002354.3(EPCAM):c.450C>G (p.His150Gln)

Gene: EPCAM (epithelial cell adhesion molecule; plus strand). Cytogenetic location: 2p21.
Variant type: single nucleotide variant.
Coding change: c.450C>G on transcript NM_002354.3 (MANE Select); coding-DNA position 450, C replaced by G.
Protein change: p.His150Gln; replaces histidine 150 with glutamine.
Molecular consequence: missense variant.
Genome position (GRCh38, 1-based): chr2:47,375,258, C>G. VCF-style: chr2-47375258-C-G. GRCh37 (hg19) VCF-style: chr2-47602397-C-G.
Other names: short protein forms H150Q.
Identifiers: ClinVar variation 221039 (VCV000221039.9), dbSNP rs864622724, ClinGen allele CA350715.